The following is an entry in ClinVar:

ClinVar aggregate classification (germline): Uncertain significance (1 of 4 stars; one submission).

Allele frequency attached by ClinVar (database versions not stated): TOPMed below 0.00001; gnomAD 0.00001; gnomAD exomes 0.00001; ESP Exome Variant Server 0.00008.
gnomAD v4.1: 19 of 1,614,128 alleles (0.0012%); highest among the groups gnomAD compares: Non-Finnish European, 0.0016%; no homozygotes.

Submission:

GeneDx
Classification: Uncertain significance. Last evaluated: 2023-01-13. Review status: criteria provided, single submitter. Criteria: GeneDx Variant Classification Process June 2021. Collection method: clinical testing. Allele origin: germline. Affected: yes.
Comment: In silico analysis supports that this missense variant has a deleterious effect on protein structure/function; Has not been previously published as pathogenic or benign to our knowledge

NM_006766.5(KAT6A):c.5554A>G (p.Lys1852Glu)

Gene: KAT6A (lysine acetyltransferase 6A; minus strand). Cytogenetic location: 8p11.21.
Variant type: single nucleotide variant.
Coding change: c.5554A>G on transcript NM_006766.5 (MANE Select); coding-DNA position 5554, A replaced by G.
Protein change: p.Lys1852Glu; replaces lysine 1852 with glutamic acid.
Molecular consequence: missense variant.
Genome position (GRCh38, 1-based): chr8:41,932,666, T>C on the plus strand (A>G on the coding strand, the complement: KAT6A is on the minus strand). VCF-style: chr8-41932666-T-C. GRCh37 (hg19) VCF-style: chr8-41790184-T-C.
Other names: short protein forms K1852E.
Identifiers: ClinVar variation 2572688 (VCV002572688.1), dbSNP rs367790706, ClinGen allele CA175938478.